The following is an entry in ClinVar:

ClinVar aggregate classification (germline): Uncertain significance (1 of 4 stars; one submission).

gnomAD v4.1: 1 of 1,612,874 alleles (0.000062%); highest among the groups gnomAD compares: South Asian, 0.0011%; no homozygotes.

Submission:

Women's Health and Genetics/Laboratory Corporation of America, LabCorp
Classification: Uncertain significance. Last evaluated: 2025-09-05. Review status: criteria provided, single submitter. Criteria: LabCorp Variant Classification Summary - May 2015. Collection method: clinical testing. Allele origin: germline.
Comment: Variant summary: NPHS1 c.2014G>T (p.Ala672Ser) results in a conservative amino acid change in the encoded protein sequence. Algorithms developed to predict the effect of missense changes on protein structure and function are either unavailable or do not agree on the potential impact of this missense change. The variant allele was found at a frequency of 4.1e-06 in 245188 control chromosomes (gnomAD). The available data on variant occurrences in the general population are insufficient to allow any conclusion about variant significance. To our knowledge, no occurrence of c.2014G>T in individuals affected with NPHS1-related conditions and no experimental evidence demonstrating its impact on protein function have been reported. No submitters have cited clinical-significance assessments for this variant to ClinVar. Based on the evidence outlined above, the variant was classified as uncertain significance.

NM_004646.4(NPHS1):c.2014G>T (p.Ala672Ser)

Gene: NPHS1 (NPHS1 adhesion molecule, nephrin; minus strand). Cytogenetic location: 19q13.12.
Variant type: single nucleotide variant.
Coding change: c.2014G>T on transcript NM_004646.4 (MANE Select); coding-DNA position 2014, G replaced by T.
Protein change: p.Ala672Ser; replaces alanine 672 with serine.
Molecular consequence: missense variant.
Genome position (GRCh38, 1-based): chr19:35,844,376, C>A on the plus strand (G>T on the coding strand, the complement: NPHS1 is on the minus strand). VCF-style: chr19-35844376-C-A. GRCh37 (hg19) VCF-style: chr19-36335278-C-A.
Other names: short protein forms A672S.
Identifiers: ClinVar variation 4535737 (VCV004535737.1).
Genomic context (GRCh38, chr19:35,844,376, plus strand): 5'-CACCTGGACTGAGGCGATAGCCGCGGAAGGTCCAGTTGAAGGCCTCGGGGGCGGGGTTAG[C>A]GGACACGGACACGGGCAGCAACGCCTCGCCCTGCTCCACCGCGGTCACCACCAGCACCTG-3'
Protein context (NP_004637.1, residues 662-682): GEALLPVSVS[Ala672Ser]NPAPEAFNWT